The following is an entry in ClinVar:

NM_020937.4(FANCM):c.6029T>C (p.Met2010Thr)

Gene: FANCM (FA complementation group M; plus strand). Cytogenetic location: 14q21.2.
Variant type: single nucleotide variant.
Coding change: c.6029T>C on transcript NM_020937.4 (MANE Select); coding-DNA position 6029, T replaced by C.
Protein change: p.Met2010Thr; replaces methionine 2010 with threonine.
Molecular consequence: missense variant.
Genome position (GRCh38, 1-based): chr14:45,199,890, T>C. VCF-style: chr14-45199890-T-C. GRCh37 (hg19) VCF-style: chr14-45669093-T-C.
Other names: c.5951T>C, p.Met1984Thr (NM_001308133.2); short protein forms M1984T, M2010T.
Identifiers: ClinVar variation 2499945 (VCV002499945.6), dbSNP rs371430012, ClinGen allele CA259603959.

ClinVar aggregate classification (germline): Uncertain significance. Review status: criteria provided, multiple submitters, no conflicts (2 of 4 stars). 3 submissions from 3 submitters: Uncertain significance (3). Last evaluated 2025-08-12.

Conditions:
Fanconi anemia (FA). Also called: Fanconi's anemia. Identifiers: Orphanet 84, MedGen C0015625, MeSH D005199, MONDO:0019391.
Inborn genetic diseases. Identifiers: MedGen C0950123, MeSH D030342.

Allele frequency attached by ClinVar (database versions not stated): TOPMed below 0.00001; ESP Exome Variant Server 0.00008; gnomAD exomes 0.00001.

Submissions (3):

Ambry Genetics
Classification: Uncertain significance for Inborn genetic diseases. Last evaluated: 2025-08-12. Review status: criteria provided, single submitter. Criteria: Ambry Variant Classification Scheme 2023. Collection method: clinical testing. Allele origin: germline.
Comment: The p.M2010T variant (also known as c.6029T>C), located in coding exon 23 of the FANCM gene, results from a T to C substitution at nucleotide position 6029. The methionine at codon 2010 is replaced by threonine, an amino acid with similar properties. This amino acid position is conserved. In addition, this alteration is predicted to be tolerated by in silico analysis. Based on the available evidence, the clinical significance of this variant remains unclear.

Labcorp Genetics (formerly Invitae), Labcorp
Classification: Uncertain significance for Fanconi anemia. Last evaluated: 2024-07-08. Review status: criteria provided, single submitter. Criteria: Invitae Variant Classification Sherloc (09022015). Collection method: clinical testing. Allele origin: germline.
Comment: This sequence change replaces methionine, which is neutral and non-polar, with threonine, which is neutral and polar, at codon 2010 of the FANCM protein (p.Met2010Thr). This variant is present in population databases (rs371430012, gnomAD 0.02%). This variant has not been reported in the literature in individuals affected with FANCM-related conditions. ClinVar contains an entry for this variant (Variation ID: 2499945). Algorithms developed to predict the effect of missense changes on protein structure and function output the following: SIFT: "Not Available"; PolyPhen-2: "Benign"; Align-GVGD: "Not Available". The threonine amino acid residue is found in multiple mammalian species, which suggests that this missense change does not adversely affect protein function. In summary, the available evidence is currently insufficient to determine the role of this variant in disease. Therefore, it has been classified as a Variant of Uncertain Significance.

GeneDx
Classification: Uncertain significance. Last evaluated: 2024-01-09. Review status: criteria provided, single submitter. Criteria: GeneDx Variant Classification Process June 2021. Collection method: clinical testing. Allele origin: germline.
Comment: In silico analysis supports that this missense variant does not alter protein structure/function; Has not been previously published as pathogenic or benign to our knowledge